The following is an entry in ClinVar:

NM_002691.4(POLD1):c.357C>A (p.Arg119=)

Gene: POLD1 (DNA polymerase delta 1, catalytic subunit; plus strand). Cytogenetic location: 19q13.33.
Variant type: single nucleotide variant.
Coding change: c.357C>A on transcript NM_002691.4 (MANE Select); coding-DNA position 357, C replaced by A.
Protein change: p.Arg119=; no amino-acid change (arginine 119 retained).
Molecular consequence: synonymous variant. On other transcripts: non-coding transcript variant (1).
Genome position (GRCh38, 1-based): chr19:50,401,818, C>A. VCF-style: chr19-50401818-C-A. GRCh37 (hg19) VCF-style: chr19-50905075-C-A.
Other names: c.357C>A, p.Arg119= (NM_001256849.1, NM_001308632.1).
Identifiers: ClinVar variation 515451 (VCV000515451.1), dbSNP rs561258266, ClinGen allele CA508304173.

ClinVar aggregate classification (germline): Likely benign (1 of 4 stars; one submission).

Submission:

GeneDx
Classification: Likely benign. Last evaluated: 2018-02-07. Review status: criteria provided, single submitter. Criteria: GeneDx Variant Classification (06012015). Collection method: clinical testing. Allele origin: germline. Affected: yes.
Comment: This variant is considered likely benign or benign based on one or more of the following criteria: it is a conservative change, it occurs at a poorly conserved position in the protein, it is predicted to be benign by multiple in silico algorithms, and/or has population frequency not consistent with disease.